The following is an entry in ClinVar:

ClinVar aggregate classification (germline): Benign/Likely benign. Review status: criteria provided, multiple submitters, no conflicts (2 of 4 stars). 8 submissions from 8 submitters: Benign (4); Likely benign (1). 3 of the submissions do not count toward it. Last evaluated 2026-08-01.

Conditions:
ADGRV1-related disorder. Also called: ADGRV1-related disorders; ADGRV1-related condition.

Allele frequency attached by ClinVar (database versions not stated): TOPMed 0.00005; 1000 Genomes Project 30x 0.00125; gnomAD exomes 0.00070 and 0.00140; ExAC 0.00153; 1000 Genomes Project 0.00160; gnomAD 0.00003 and 0.00038.
gnomAD v4.1: 1,076 of 1,613,852 alleles (0.067%); highest among the groups gnomAD compares: South Asian, 1.1%; 17 homozygotes.

Submissions (8):

CeGaT Center for Human Genetics Tuebingen
Classification: Benign. Last evaluated: 2026-08-01. Review status: criteria provided, single submitter. Criteria: CeGaT Center For Human Genetics Tuebingen Variant Classification Criteria Version 2. Collection method: clinical testing. Allele origin: germline. Affected: yes. Observed: 3 variant alleles.
Comment: ADGRV1: BP4, BS1, BS2

Labcorp Genetics (formerly Invitae), Labcorp
Classification: Benign. Last evaluated: 2026-02-02. Review status: criteria provided, single submitter. Criteria: Invitae Variant Classification Sherloc (09022015). Collection method: clinical testing. Allele origin: germline.

GeneDx
Classification: Likely benign. Last evaluated: 2022-01-26. Review status: criteria provided, single submitter. Criteria: GeneDx Variant Classification Process June 2021. Collection method: clinical testing. Allele origin: germline. Affected: yes.
Comment: See Variant Classification Assertion Criteria.

Athena Diagnostics
Classification: Benign. Last evaluated: 2019-04-02. Review status: criteria provided, single submitter. Criteria: Athena Diagnostics Criteria. Collection method: clinical testing. Allele origin: germline.

Laboratory for Molecular Medicine, Mass General Brigham Personalized Medicine
Classification: Benign. Last evaluated: 2015-06-16. Review status: criteria provided, single submitter. Criteria: LMM Criteria. Collection method: clinical testing. Allele origin: germline. Observed: 5 variant alleles.
Comment: p.Glu3447Lys in exon 49 of GPR98: This variant is not expected to have clinical significance it has been identified in 1.1% (179/16510) of South Asian chromosom es including 4 homozygotes by the Exome Aggregation Consortium (ExAC; dbSNP rs397517419).

PreventionGenetics, part of Exact Sciences
Classification: Benign for ADGRV1-related condition. Last evaluated: 2019-07-03. Review status: no assertion criteria provided. Collection method: clinical testing. Allele origin: germline. Not counted in ClinVar's aggregate classification.
Comment: This variant is classified as benign based on ACMG/AMP sequence variant interpretation guidelines (Richards et al. 2015 PMID: 25741868, with internal and published modifications).

Clinical Genetics DNA and cytogenetics Diagnostics Lab, Erasmus MC, Erasmus Medical Center
Classification: Likely benign. Review status: no assertion criteria provided. Collection method: clinical testing. Allele origin: germline. Affected: yes. Study: VKGL Data-share Consensus. Not counted in ClinVar's aggregate classification.

Clinical Genetics, Academic Medical Center
Classification: Likely benign. Review status: no assertion criteria provided. Collection method: clinical testing. Allele origin: germline. Affected: yes. Study: VKGL Data-share Consensus. Not counted in ClinVar's aggregate classification.

Literature cited by the submitters: PubMed 25133751 (cited by Athena Diagnostics and Laboratory for Molecular Medicine, Mass General Brigham Personalized Medicine); PubMed 29179779 (cited by Athena Diagnostics).

NM_032119.4(ADGRV1):c.10339G>A (p.Glu3447Lys)

Gene: ADGRV1 (adhesion G protein-coupled receptor V1; plus strand). Cytogenetic location: 5q14.3.
Variant type: single nucleotide variant.
Coding change: c.10339G>A on transcript NM_032119.4 (MANE Select); coding-DNA position 10339, G replaced by A.
Protein change: p.Glu3447Lys; replaces glutamic acid 3447 with lysine.
Molecular consequence: missense variant. On other transcripts: non-coding transcript variant (1).
Genome position (GRCh38, 1-based): chr5:90,728,846, G>A. VCF-style: chr5-90728846-G-A. GRCh37 (hg19) VCF-style: chr5-90024663-G-A.
Other names: short protein forms E3447K.
Identifiers: ClinVar variation 46247 (VCV000046247.45), dbSNP rs397517419, ClinGen allele CA137989.